The following is an entry in ClinVar:

NM_000488.4(SERPINC1):c.1154-53G>A

Gene: SERPINC1 (serpin family C member 1; minus strand). Cytogenetic location: 1q25.1.
Variant type: single nucleotide variant.
Coding change: c.1154-53G>A on transcript NM_000488.4 (MANE Select); 53 bases into the intron before coding-DNA position 1154, G replaced by A.
Molecular consequence: intron variant.
Genome position (GRCh38, 1-based): chr1:173,907,567, C>T on the plus strand (G>A on the coding strand, the complement: SERPINC1 is on the minus strand). VCF-style: chr1-173907567-C-T. GRCh37 (hg19) VCF-style: chr1-173876705-C-T.
Other names: c.1235-53G>A (NM_001386303.1); c.938-53G>A (NM_001386306.1); c.1133-53G>A (NM_001386304.1); c.1097-53G>A (NM_001386305.1); c.1277-53G>A (NM_001386302.1); c.1010-53G>A (NM_001365052.2).
Identifiers: ClinVar variation 1279654 (VCV001279654.3), dbSNP rs2759328, ClinGen allele CA10960823.

ClinVar aggregate classification (germline): Benign. Review status: reviewed by expert panel (3 of 4 stars). 3 submissions from 3 submitters: Benign (1). 2 of the submissions do not count toward it. Last evaluated 2023-07-25.

Conditions:
Hereditary antithrombin deficiency (AT3D). Also called: Antithrombin deficiency; Antithrombin III deficiency; Thrombophilia due to antithrombin III deficiency; Reduced antithrombin III activity. Identifiers: Orphanet 82, MedGen C0272375, MONDO:0013144, OMIM 613118, HP:0001976.

Allele frequency attached by ClinVar (database versions not stated): ESP Exome Variant Server 0.09417; gnomAD 0.09559 and 0.09980; TOPMed 0.09674; gnomAD exomes 0.11447; 1000 Genomes Project 30x 0.12367; 1000 Genomes Project 0.12700.

Submissions (3):

Clingen Thrombosis Variant Curation Expert Panel, ClinGen
Classification: Benign for Hereditary antithrombin deficiency. Last evaluated: 2023-07-25. Review status: reviewed by expert panel. Criteria: ClinGen ACMG Specifications SERPINC1 V1.0.0. Collection method: curation. Allele origin: germline. Inheritance: Autosomal dominant inheritance.
Comment: The NM_000488.4:c.1154-53G>A variant is reported at a popmax FAF of 0.3028 and the highest MAF of 0.3263 (32%; 507/1554 alleles with 81 homozygotes) in the East Asian population in gnomAD v2.1.1, meeting criteria for BA1 (MAF >0.002). The variant is reported in 8 individuals with normal antithrombin levels. In summary, this variant meets criteria to be classified as benign. ACMG/AMP criteria applied, as specified by the Thrombosis Variant Curation Expert Panel for SERPINC1: BA1, BS2.

GeneDx
Classification: Benign. Last evaluated: 2018-11-12. Review status: criteria provided, single submitter. Criteria: GeneDx Variant Classification Process June 2021. Collection method: clinical testing. Allele origin: germline. Affected: yes. Not counted in ClinVar's aggregate classification.

Breakthrough Genomics
Classification: Benign. Review status: criteria provided, single submitter. Criteria: ACMG Guidelines, 2015. Collection method: not provided. Allele origin: germline. Inheritance: Autosomal dominant inheritance. Affected: yes. Not counted in ClinVar's aggregate classification.